The following is an entry in ClinVar:

ClinVar aggregate classification (germline): Pathogenic. Review status: criteria provided, multiple submitters, no conflicts (2 of 4 stars). 3 submissions from 3 submitters: Pathogenic (2). 1 of the submissions does not count toward it. Last evaluated 2026-05-26.

Conditions:
RET-related disorder. Also called: RET-related disorders; RET-related condition; RET-related disease.
Hirschsprung disease, susceptibility to, 1 (HSCR1). Also called: RET-Related Hirschsprung Disease. Identifiers: Orphanet 388, MedGen C3888239, MONDO:0007723, OMIM 142623.

Submissions (3):

Victorian Clinical Genetics Services, Murdoch Childrens Research Institute
Classification: Pathogenic for Hirschsprung disease, susceptibility to, 1. Last evaluated: 2026-05-26. Review status: criteria provided, single submitter. Criteria: ACMG Guidelines, 2015. Collection method: clinical testing. Allele origin: germline. Affected: yes.
Comment: This variant is classified as Pathogenic. Evidence in support of pathogenic classification: Variant is absent from gnomAD (v2, v3 and v4); This variant has strong previous evidence of pathogenicity in unrelated individuals. This variant has been reported in at least four individuals with Hirschsprung disease or total colonic aganglionosis. In two of these individuals, the variant was confirmed to be de novo (PMID: 31666091, PMID: 42063560, PMID: 8114938); This variant has moderate functional evidence supporting abnormal protein function. Cells transfected with this variant showed reduced RET kinase activity and tyrosine phosphorylation (PMID: 11438491); Missense variant predicted to be damaging by in silico tool(s) or highly conserved with a major amino acid change. Additional information: Variant is predicted to result in a missense amino acid change from Arg to Gln; This variant is heterozygous; This gene is associated with autosomal dominant disease; Variant is located in the annotated protein tyrosine and serine/threonine kinase domain (DECIPHER); Loss of function and gain of function are known mechanisms of disease in this gene. Loss of function variants are associated with susceptibility to Hirschsprung disease 1 (MONDO:0007723), while gain of function variants cause multiple endocrine neoplasia IIA (MEN2A, MIM#171400), multiple endocrine neoplasia IIB (MEN2B, MIM#162300), and medullary thyroid carcinoma (MTC, MIM#155240). A subset of RET cysteine variants, sometimes referred to as Janus variants, can lead to a partial loss-of-function phenotype, as well as oncogenic effects (PMID: 22584710, OMIM); The condition associated with this gene has incomplete penetrance (OMIM); Inheritance information for this variant is not currently available in this individual.

Blueprint Genetics
Classification: Pathogenic for RET-related disorders. Last evaluated: 2022-09-06. Review status: criteria provided, single submitter. Criteria: ACMG Guidelines, 2015. Collection method: clinical testing. Allele origin: germline. Affected: yes. Observed: 2 variant alleles.

OMIM
Classification: risk factor for HIRSCHSPRUNG DISEASE, SUSCEPTIBILITY TO, 1. Last evaluated: 1994-01-27. Review status: no assertion criteria provided. Collection method: literature only. Allele origin: germline. Not counted in ClinVar's aggregate classification.

Literature cited by the submitters: PubMed 11438491 (cited by Victorian Clinical Genetics Services, Murdoch Childrens Research Institute); PubMed 22584710 (cited by Victorian Clinical Genetics Services, Murdoch Childrens Research Institute); PubMed 42063560 (cited by Victorian Clinical Genetics Services, Murdoch Childrens Research Institute); PubMed 31666091 (cited by Victorian Clinical Genetics Services, Murdoch Childrens Research Institute); PubMed 8114938 (cited by Victorian Clinical Genetics Services, Murdoch Childrens Research Institute and OMIM).

NM_020975.6(RET):c.2690G>A (p.Arg897Gln)

Gene: RET (ret proto-oncogene; plus strand). Cytogenetic location: 10q11.21.
Variant type: single nucleotide variant.
Coding change: c.2690G>A on transcript NM_020975.6 (MANE Select); coding-DNA position 2690, G replaced by A.
Protein change: p.Arg897Gln; replaces arginine 897 with glutamine.
Molecular consequence: missense variant.
Genome position (GRCh38, 1-based): chr10:43,120,163, G>A. VCF-style: chr10-43120163-G-A. GRCh37 (hg19) VCF-style: chr10-43615611-G-A.
Other names: c.2690G>A, p.Arg897Gln (NM_000323.2, NM_001406743.1, NM_001406744.1 and 4 more transcripts); c.1928G>A, p.Arg643Gln (NM_001355216.2); c.2561G>A, p.Arg854Gln (NM_001406761.1, NM_001406762.1, NM_001406764.1); c.2555G>A, p.Arg852Gln (NM_001406763.1, NM_001406765.1); c.2402G>A, p.Arg801Gln (NM_001406766.1, NM_001406767.1, NM_001406770.1); c.2426G>A, p.Arg809Gln (NM_001406768.1); c.2294G>A, p.Arg765Gln (NM_001406769.1, NM_001406772.1); c.2252G>A, p.Arg751Gln (NM_001406771.1, NM_001406773.1); and 10 more; short protein forms R897Q, R643Q, R502Q, R558Q, R598Q, R722Q, R765Q, R801Q.
Identifiers: ClinVar variation 13921 (VCV000013921.5), dbSNP rs76087194, ClinGen allele CA009008.
Genomic context (GRCh38, chr10:43,120,163, plus strand): 5'-CCAGAAACATCCTGGTAGCTGAGGGGCGGAAGATGAAGATTTCGGATTTCGGCTTGTCCC[G>A]AGATGTTTATGAAGAGGATTCCTACGTGAAGAGGAGCCAGGTGCCCAGTCCCGGGGATGA-3'
Protein context (NP_066124.1, residues 887-907): KMKISDFGLS[Arg897Gln]DVYEEDSYVK